The following is an entry in ClinVar:

ClinVar aggregate classification (germline): Likely pathogenic (1 of 4 stars; one submission).

Conditions:
Autosomal recessive nonsyndromic hearing loss 3. Also called: NEUROSENSORY NONSYNDROMIC RECESSIVE DEAFNESS 3. Identifiers: Orphanet 90636, MedGen C1838263, MONDO:0010860, OMIM 600316.

Submission:

Institute of Human Genetics, University of Goettingen
Classification: Likely pathogenic for Autosomal recessive nonsyndromic hearing loss 3. Last evaluated: 2025-03-06. Review status: criteria provided, single submitter. Criteria: ACMG Guidelines, 2015. Collection method: clinical testing. Allele origin: unknown. Inheritance: Autosomal recessive inheritance. Affected: yes.
Comment: The NM_016239.4(MYO15A):​c.4272delG (p.Arg1424fs) variant causes a frameshift change involving the alteration of a non-conserved nucleotide. The variant was absent in control chromosomes in GnomAD project. No clinical diagnostic laboratories have submitted clinical-significance assessments for this variant to ClinVar. Variant results in nonsense mediated mRNA decay. ACMG criteria used for classification: PM2_sup, PVS1

NM_016239.4(MYO15A):c.4272del (p.Arg1424fs)

Gene: MYO15A (myosin XVA; plus strand). Cytogenetic location: 17p11.2.
Variant type: Deletion.
Coding change: c.4272del on transcript NM_016239.4 (MANE Select); coding-DNA position 4272, one base deleted (G; older notation c.4272delG).
Protein change: p.Arg1424fs; shifts the reading frame from arginine 1424.
Molecular consequence: frameshift variant.
Genome position (GRCh38, 1-based): chr17:18,132,518, G deleted; the last of 2 consecutive G bases (chr17:18,132,517-18,132,518); deleting either gives the same sequence. VCF-style (leftmost placement, unchanged base first): chr17-18132516-AG-A. GRCh37 (hg19) VCF-style: chr17-18035830-AG-A.
Other names: short protein forms R1424fs.
Identifiers: ClinVar variation 3773878 (VCV003773878.2).